The following is an entry in ClinVar:

NM_001231.5(CASQ1):c.429G>C (p.Glu143Asp)

Gene: CASQ1 (calsequestrin 1; plus strand). Cytogenetic location: 1q23.2.
Variant type: single nucleotide variant.
Coding change: c.429G>C on transcript NM_001231.5 (MANE Select); coding-DNA position 429, G replaced by C.
Protein change: p.Glu143Asp; replaces glutamic acid 143 with aspartic acid.
Molecular consequence: missense variant.
Genome position (GRCh38, 1-based): chr1:160,193,811, G>C. VCF-style: chr1-160193811-G-C. GRCh37 (hg19) VCF-style: chr1-160163601-G-C.
Other names: short protein forms E143D.
Identifiers: ClinVar variation 2439763 (VCV002439763.8), dbSNP rs771410439, ClinGen allele CA1196182.
Genomic context (GRCh38, chr1:160,193,811, plus strand): 5'-AACTGAAGTGGACAGCATGTATGTATTCAAGGGAGATGAAGTCATTGAGTACGATGGCGA[G>C]TTTTCTGCTGACACCATCGTGGAGTTTCTGCTTGATGTAAGGACTCCCCTGGACCTGACG-3'
Protein context (NP_001222.3, residues 133-153): KGDEVIEYDG[Glu143Asp]FSADTIVEFL

ClinVar aggregate classification (germline): Uncertain significance. Review status: criteria provided, multiple submitters, no conflicts (2 of 4 stars). 3 submissions from 3 submitters: Uncertain significance (2). 1 of the submissions does not count toward it. Last evaluated 2023-06-20.

Conditions:
Myopathy due to calsequestrin and SERCA1 protein overload. Also called: Myopathy, vacuolar, with casq1 aggregates. Identifiers: Orphanet 88635, MedGen C4015624, MONDO:0014546, OMIM 616231.
CASQ1-related disorder. Also called: CASQ1-related condition.

Allele frequency attached by ClinVar (database versions not stated): ExAC 0.00008.
gnomAD v4.1: 83 of 1,613,004 alleles (0.0051%); highest among the groups gnomAD compares: South Asian, 0.09%; 1 homozygote.

Submissions (3):

Labcorp Genetics (formerly Invitae), Labcorp
Classification: Uncertain significance. Last evaluated: 2023-06-20. Review status: criteria provided, single submitter. Criteria: Invitae Variant Classification Sherloc (09022015). Collection method: clinical testing. Allele origin: germline.
Comment: In summary, the available evidence is currently insufficient to determine the role of this variant in disease. Therefore, it has been classified as a Variant of Uncertain Significance. Advanced modeling of protein sequence and biophysical properties (such as structural, functional, and spatial information, amino acid conservation, physicochemical variation, residue mobility, and thermodynamic stability) performed at Invitae indicates that this missense variant is not expected to disrupt CASQ1 protein function. ClinVar contains an entry for this variant (Variation ID: 2439763). This variant has not been reported in the literature in individuals affected with CASQ1-related conditions. This variant is present in population databases (rs771410439, gnomAD 0.06%), and has an allele count higher than expected for a pathogenic variant. This sequence change replaces glutamic acid, which is acidic and polar, with aspartic acid, which is acidic and polar, at codon 143 of the CASQ1 protein (p.Glu143Asp).

Revvity Omics, Revvity
Classification: Uncertain significance for Myopathy due to calsequestrin and SERCA1 protein overload. Last evaluated: 2020-03-02. Review status: criteria provided, single submitter. Criteria: ACMG Guidelines, 2015. Collection method: clinical testing. Allele origin: germline.

PreventionGenetics, part of Exact Sciences
Classification: Likely benign for CASQ1-related condition. Last evaluated: 2024-01-29. Review status: no assertion criteria provided. Collection method: clinical testing. Allele origin: germline. Not counted in ClinVar's aggregate classification.
Comment: This variant is classified as likely benign based on ACMG/AMP sequence variant interpretation guidelines (Richards et al. 2015 PMID: 25741868, with internal and published modifications).